The following continues an entry in ClinVar:

NM_002878.4(RAD51D):c.932T>A (p.Ile311Asn)

ClinVar aggregate classification (germline): Conflicting classifications of pathogenicity. Uncertain significance (7); Benign (1); Likely benign (12).

Submissions 20 to 24 of 24:

GeneKor MSA
Classification: Uncertain significance for Hereditary cancer-predisposing syndrome. Last evaluated: 2018-08-01. Review status: criteria provided, single submitter. Criteria: ACMG Guidelines, 2015. Collection method: clinical testing. Allele origin: germline.

Counsyl
Classification: Uncertain significance for Breast-ovarian cancer, familial, susceptibility to, 4. Last evaluated: 2016-10-11. Review status: no assertion criteria provided. Collection method: clinical testing. Allele origin: unknown. Not counted in ClinVar's aggregate classification.

Clinical Genetics Laboratory, Department of Pathology, Netherlands Cancer Institute
Classification: Uncertain significance. Review status: no assertion criteria provided. Collection method: clinical testing. Allele origin: germline. Affected: yes. Study: VKGL Data-share Consensus. Not counted in ClinVar's aggregate classification.

Department of Pathology and Laboratory Medicine, Sinai Health System
Classification: Uncertain significance for Malignant tumor of breast. Review status: no assertion criteria provided. Collection method: clinical testing. Allele origin: unknown. Affected: yes. Observed: 1 variant allele. Study: The Canadian Open Genetics Repository (COGR). Not counted in ClinVar's aggregate classification.
Comment: The RAD51D p.Ile311Asn variant was identified in 6 of 1426 proband chromosomes (frequency: 0.0042) from individuals or families with breast and ovarian cancer (Lin 2016, Wickramanayake 2012, Wong 2016). The variant was also identified in dbSNP (ID: rs145309168) as â€šÃ„ÃºWith Uncertain significance, other alleleâ€šÃ„Ã¹, ClinVar (as likely benign by Invitae and as uncertain significance by GeneDx, Ambry Genetics and Counsyl), and Clinvitae databases. The variant was not identified in the Cosmic database. The variant was identified in control databases in 122 of 277230 chromosomes at a frequency of 0.00044 in the following populations: European (Non-Finnish) in 26 of 126716 chromosomes (freq. 0.0002), East Asian in 83 (1 homozygous) of 18868 chromosomes (freq. 0.004), European (Finnish) in 2 of 25794 chromosomes (freq. 0.00008) and South Asian in 9 of 30782 chromosomes (freq. 0.0003), and Other in 2 of 6468 chromosomes (freq. 0.0003), increasing the likelihood this could be a low frequency benign variant (Genome Aggregation Consortium Feb 27, 2017). The variant is located in the ATPase domain of the RAD51D protein (Kim 2011). The p.Ile311Asn residue is conserved in mammals but not in more distantly related organisms, and computational analyses (PolyPhen-2, SIFT, AlignGVGD, BLOSUM, MutationTaster) suggest that the variant may impact the protein; however, this information is not predictive enough to assume pathogenicity. The variant occurs outside of the splicing consensus sequence and in silico or computational prediction software programs (SpliceSiteFinder, MaxEntScan, NNSPLICE, GeneSplicer, HumanSpliceFinder) do not predict a difference in splicing. In summary, based on the above information the clinical significance of this variant cannot be determined with certainty at this time. This variant is classified as a variant of uncertain significance.

Joint Genome Diagnostic Labs from Nijmegen and Maastricht, Radboudumc and MUMC+
Classification: Uncertain significance. Review status: no assertion criteria provided. Collection method: clinical testing. Allele origin: germline. Affected: yes. Study: VKGL Data-share Consensus. Not counted in ClinVar's aggregate classification.

Literature cited by the submitters: PubMed 25085752 (cited by Myriad Genetics, Inc.); PubMed 22986143 (cited by 4 submitters); PubMed 26824983 (cited by 4 submitters); PubMed 29263802 (cited by Mayo Clinic Laboratories, Mayo Clinic and Ambry Genetics); PubMed 32255556 (cited by Mayo Clinic Laboratories, Mayo Clinic); PubMed 33785725 (cited by Mayo Clinic Laboratories, Mayo Clinic); PubMed 35264596 (cited by Mayo Clinic Laboratories, Mayo Clinic); PubMed 28961279 (cited by Quest Diagnostics Nichols Institute San Juan Capistrano and Ambry Genetics); PubMed 30111881 (cited by Quest Diagnostics Nichols Institute San Juan Capistrano and Ambry Genetics); PubMed 29338689 (cited by Ambry Genetics).